The following is an entry in ClinVar:

ClinVar aggregate classification (germline): Uncertain significance (1 of 4 stars; one submission).

Conditions:
Tuberous sclerosis 2 (TSC2). Identifiers: Orphanet 805, MedGen C1860707, MONDO:0013199, OMIM 613254.

Submission:

Labcorp Genetics (formerly Invitae), Labcorp
Classification: Uncertain significance for Tuberous sclerosis 2. Last evaluated: 2025-01-14. Review status: criteria provided, single submitter. Criteria: Invitae Variant Classification Sherloc (09022015). Collection method: clinical testing. Allele origin: germline.
Comment: This sequence change replaces aspartic acid, which is acidic and polar, with tyrosine, which is neutral and polar, at codon 282 of the TSC2 protein (p.Asp282Tyr). This variant is not present in population databases (gnomAD no frequency). This variant has not been reported in the literature in individuals affected with TSC2-related conditions. ClinVar contains an entry for this variant (Variation ID: 1346833). Invitae Evidence Modeling of protein sequence and biophysical properties (such as structural, functional, and spatial information, amino acid conservation, physicochemical variation, residue mobility, and thermodynamic stability) indicates that this missense variant is not expected to disrupt TSC2 protein function with a negative predictive value of 95%. In summary, the available evidence is currently insufficient to determine the role of this variant in disease. Therefore, it has been classified as a Variant of Uncertain Significance.

NM_000548.5(TSC2):c.844G>T (p.Asp282Tyr)

Gene: TSC2 (TSC complex subunit 2; plus strand). Cytogenetic location: 16p13.3.
Variant type: single nucleotide variant.
Coding change: c.844G>T on transcript NM_000548.5 (MANE Select); coding-DNA position 844, G replaced by T.
Protein change: p.Asp282Tyr; replaces aspartic acid 282 with tyrosine.
Molecular consequence: missense variant.
Genome position (GRCh38, 1-based): chr16:2,057,174, G>T. VCF-style: chr16-2057174-G-T. GRCh37 (hg19) VCF-style: chr16-2107175-G-T.
Other names: c.844G>T, p.Asp282Tyr (NM_001077183.3, NM_001114382.3, NM_001363528.2 and 3 more transcripts); c.733G>T, p.Asp245Tyr (NM_001318827.2); c.697G>T, p.Asp233Tyr (NM_001318829.2); c.244G>T, p.Asp82Tyr (NM_001318831.2); c.877G>T, p.Asp293Tyr (NM_001318832.2); short protein forms D245Y, D282Y, D293Y, D233Y, D82Y.
Identifiers: ClinVar variation 1346833 (VCV001346833.8), dbSNP rs1192271452, ClinGen allele CA394313555.